The following is an entry in ClinVar:

NC_000011.9:g.(?_108098352)_(108159850_?)del

Gene: ATM (ATM serine/threonine kinase; plus strand). Cytogenetic location: 11q22.3.
Variant type: Deletion.
Identifiers: ClinVar variation 3244467 (VCV003244467.1).

ClinVar aggregate classification (germline): Pathogenic (1 of 4 stars; one submission).

Conditions:
Ataxia-telangiectasia syndrome (AT). Also called: LOUIS-BAR SYNDROME; Cerebello-oculocutaneous telangiectasia; Immunodeficiency with ataxia telangiectasia; AT, COMPLEMENTATION GROUP C; Ataxia-telangiectasia, complementation group D; ATAXIA-TELANGIECTASIA, COMPLEMENTATION GROUP A. Identifiers: Orphanet 100, MedGen C0004135, MONDO:0008840, OMIM 208900.

Submission:

Labcorp Genetics (formerly Invitae), Labcorp
Classification: Pathogenic for Ataxia-telangiectasia syndrome. Last evaluated: 2023-08-17. Review status: criteria provided, single submitter. Criteria: Invitae Variant Classification Sherloc (09022015). Collection method: clinical testing. Allele origin: unknown.
Comment: This variant is a gross deletion of the genomic region encompassing exon(s) 2-28 of the ATM gene, which includes the initiator codon. This deletion extends beyond the assayed region for this gene and therefore may encompass additional genes. It is expected to result in an absent or disrupted protein product. Loss-of-function variants in ATM are known to be pathogenic (PMID: 23807571, 25614872). This variant has not been reported in the literature in individuals affected with ATM-related conditions. For these reasons, this variant has been classified as Pathogenic.

Literature cited by the submitters: PubMed 23807571; PubMed 25614872.